The following is an entry in ClinVar:

ClinVar aggregate classification (germline): Uncertain significance (1 of 4 stars; one submission).

Conditions:
Familial thoracic aortic aneurysm and aortic dissection (TAAD). Also called: Thoracic aortic aneurysms and dissections. Identifiers: Orphanet 91387, MedGen C4707243, MONDO:0019625.

Submission:

Ambry Genetics
Classification: Uncertain significance for Familial thoracic aortic aneurysm and aortic dissection. Last evaluated: 2026-05-17. Review status: criteria provided, single submitter. Criteria: Ambry Variant Classification Scheme 2023. Collection method: clinical testing. Allele origin: germline.
Comment: The p.H835N variant (also known as c.2503C>A), located in coding exon 18 of the MED12 gene, results from a C to A substitution at nucleotide position 2503. The histidine at codon 835 is replaced by asparagine, an amino acid with similar properties. This amino acid position is conserved. In addition, this alteration is predicted to be tolerated by in silico analysis. Based on the available evidence, the clinical significance of this variant remains unclear.

NM_005120.3(MED12):c.2503C>A (p.His835Asn)

Gene: MED12 (mediator complex subunit 12; plus strand). Cytogenetic location: Xq13.1.
Variant type: single nucleotide variant.
Coding change: c.2503C>A on transcript NM_005120.3 (MANE Select); coding-DNA position 2503, C replaced by A.
Protein change: p.His835Asn; replaces histidine 835 with asparagine.
Molecular consequence: missense variant.
Genome position (GRCh38, 1-based): chrX:71,126,116, C>A. VCF-style: chrX-71126116-C-A. GRCh37 (hg19) VCF-style: chrX-70345966-C-A.
Other names: short protein forms H835N.
Identifiers: ClinVar variation 4859835 (VCV004859835.1).